The following is an entry in ClinVar:

ClinVar aggregate classification (germline): Uncertain significance (1 of 4 stars; one submission).

Conditions:
Glycogen storage disease due to muscle and heart glycogen synthase deficiency. Also called: GSD 0b; MUSCLE GLYCOGEN SYNTHASE DEFICIENCY. Identifiers: Orphanet 137625, MedGen C1969054, MONDO:0012693, OMIM 611556.

Allele frequency attached by ClinVar (database versions not stated): ESP Exome Variant Server 0.00008; TOPMed 0.00004.

Submission:

Labcorp Genetics (formerly Invitae), Labcorp
Classification: Uncertain significance for Glycogen storage disease due to muscle and heart glycogen synthase deficiency. Last evaluated: 2025-08-21. Review status: criteria provided, single submitter. Criteria: Invitae Variant Classification Sherloc (09022015). Collection method: clinical testing. Allele origin: germline.
Comment: This sequence change replaces glycine, which is neutral and non-polar, with serine, which is neutral and polar, at codon 216 of the GYS1 protein (p.Gly216Ser). This variant is present in population databases (rs141601517, gnomAD 0.02%). This variant has not been reported in the literature in individuals affected with GYS1-related conditions. ClinVar contains an entry for this variant (Variation ID: 939691). Invitae Evidence Modeling of protein sequence and biophysical properties (such as structural, functional, and spatial information, amino acid conservation, physicochemical variation, residue mobility, and thermodynamic stability) indicates that this missense variant is not expected to disrupt GYS1 protein function with a negative predictive value of 80%. In summary, the available evidence is currently insufficient to determine the role of this variant in disease. Therefore, it has been classified as a Variant of Uncertain Significance.

NM_002103.5(GYS1):c.646G>A (p.Gly216Ser)

Gene: GYS1 (glycogen synthase 1; minus strand). Cytogenetic location: 19q13.33.
Variant type: single nucleotide variant.
Coding change: c.646G>A on transcript NM_002103.5 (MANE Select); coding-DNA position 646, G replaced by A.
Protein change: p.Gly216Ser; replaces glycine 216 with serine.
Molecular consequence: missense variant. On other transcripts: non-coding transcript variant (1).
Genome position (GRCh38, 1-based): chr19:48,985,882, C>T on the plus strand (G>A on the coding strand, the complement: GYS1 is on the minus strand). VCF-style: chr19-48985882-C-T. GRCh37 (hg19) VCF-style: chr19-49489139-C-T.
Other names: c.454G>A, p.Gly152Ser (NM_001161587.2); short protein forms G216S, G152S.
Identifiers: ClinVar variation 939691 (VCV000939691.8), dbSNP rs141601517, ClinGen allele CA309399510.
Genomic context (GRCh38, chr19:48,985,882, plus strand): 5'-TCCCCCATCTGCCACGGTCCCAGCTCACGTTCTCCAGGTTGTTGTAGAAGTCCACGGCAC[C>T]GGCACACAGGTAGCGCCCCAGCAGCGTGGCATGGGTGGTGAAGATGGTTGCTACAGGCAG-3'
Protein context (NP_002094.2, residues 206-226): ATLLGRYLCA[Gly216Ser]AVDFYNNLEN